The following is an entry in ClinVar:

NM_020435.4(GJC2):c.-14G>C

Gene: GJC2 (gap junction protein gamma 2; plus strand). Cytogenetic location: 1q42.13.
Variant type: single nucleotide variant.
Coding change: c.-14G>C on transcript NM_020435.4 (MANE Select); 14 bases upstream of the start codon, G replaced by C.
Molecular consequence: 5 prime UTR variant.
Genome position (GRCh38, 1-based): chr1:228,157,745, G>C. VCF-style: chr1-228157745-G-C. GRCh37 (hg19) VCF-style: chr1-228345446-G-C.
Identifiers: ClinVar variation 402901 (VCV000402901.4), dbSNP rs745809174, ClinGen allele CA1430779.
Genomic context (GRCh38, chr1:228,157,745, plus strand): 5'-AGCGCCGCGGGCTCCTAAGTGCAGGCCCCTGGCTGACCCCTACCCCGCCCCACAGGACCC[G>C]CCCGCCCGCCCCTATGACCAACATGAGCTGGAGCTTCCTGACGCGGCTGCTGGAGGAGAT-3'

ClinVar aggregate classification (germline): Benign (1 of 4 stars; one submission).

Allele frequency attached by ClinVar (database versions not stated): ExAC 0.43828.

Submission:

Laboratory for Molecular Medicine, Mass General Brigham Personalized Medicine
Classification: Benign. Last evaluated: 2016-03-29. Review status: criteria provided, single submitter. Criteria: LMM Criteria. Collection method: clinical testing. Allele origin: germline.
Comment: Variant identified in a genome or exome case(s) and assessed due to predicted null impact of the variant or pathogenic assertions in the literature or databases. Disclaimer: This variant has not undergone full assessment. The following are preliminary notes: Frequency